The following is an entry in ClinVar:

ClinVar aggregate classification (germline): Uncertain significance (1 of 4 stars; one submission).

Submission:

GeneDx
Classification: Uncertain significance. Last evaluated: 2024-08-13. Review status: criteria provided, single submitter. Criteria: GeneDx Variant Classification Process June 2021. Collection method: clinical testing. Allele origin: germline. Affected: yes.
Comment: Not observed at significant frequency in large population cohorts (gnomAD); In silico analysis supports that this missense variant has a deleterious effect on protein structure/function; Has not been previously published as pathogenic or benign to our knowledge

NM_014314.4(RIGI):c.2480A>G (p.Glu827Gly)

Genes: RIGI (RNA sensor RIG-I; minus strand), LOC101060445 (uncharacterized LOC101060445; plus strand). Cytogenetic location: 9p21.1.
Variant type: single nucleotide variant.
Coding change: c.2480A>G on transcript NM_014314.4 (MANE Select); coding-DNA position 2480, A replaced by G.
Protein change: p.Glu827Gly; replaces glutamic acid 827 with glycine.
Molecular consequence: missense variant.
Genome position (GRCh38, 1-based): chr9:32,459,372, T>C on the plus strand (A>G on the coding strand, the complement: RIGI is on the minus strand). VCF-style: chr9-32459372-T-C. GRCh37 (hg19) VCF-style: chr9-32459370-T-C.
Other names: c.2474A>G, p.Glu825Gly (NM_001385907.1); c.2309A>G, p.Glu770Gly (NM_001385909.1); c.2039A>G, p.Glu680Gly (NM_001385910.1); c.1871A>G, p.Glu624Gly (NM_001385912.1); c.2465A>G, p.Glu822Gly (NM_001385913.1); c.2036A>G, p.Glu679Gly (NM_001385914.1); short protein forms E679G, E770G, E827G, E680G, E624G, E822G, E825G.
Identifiers: ClinVar variation 3731185 (VCV003731185.1).